The following is an entry in ClinVar:

ClinVar aggregate classification (germline): Uncertain significance (1 of 4 stars; one submission).

Allele frequency attached by ClinVar (database versions not stated): gnomAD exomes below 0.00001; ExAC 0.00003.
gnomAD v4.1: 7 of 1,613,016 alleles (0.00043%); highest among the groups gnomAD compares: Admixed American, 0.0083%; no homozygotes.

Submission:

Labcorp Genetics (formerly Invitae), Labcorp
Classification: Uncertain significance. Last evaluated: 2024-03-02. Review status: criteria provided, single submitter. Criteria: Invitae Variant Classification Sherloc (09022015). Collection method: clinical testing. Allele origin: germline.
Comment: This sequence change replaces histidine, which is basic and polar, with proline, which is neutral and non-polar, at codon 1151 of the ITPR1 protein (p.His1151Pro). This variant is present in population databases (rs759816053, gnomAD 0.01%). This variant has not been reported in the literature in individuals affected with ITPR1-related conditions. ClinVar contains an entry for this variant (Variation ID: 1961045). Advanced modeling of protein sequence and biophysical properties (such as structural, functional, and spatial information, amino acid conservation, physicochemical variation, residue mobility, and thermodynamic stability) performed at Invitae indicates that this missense variant is not expected to disrupt ITPR1 protein function with a negative predictive value of 95%. In summary, the available evidence is currently insufficient to determine the role of this variant in disease. Therefore, it has been classified as a Variant of Uncertain Significance.

NM_001378452.1(ITPR1):c.3524A>C (p.His1175Pro)

Gene: ITPR1 (inositol 1,4,5-trisphosphate receptor type 1; plus strand). Cytogenetic location: 3p26.1.
Variant type: single nucleotide variant.
Coding change: c.3524A>C on transcript NM_001378452.1 (MANE Select); coding-DNA position 3524, A replaced by C.
Protein change: p.His1175Pro; replaces histidine 1175 with proline.
Molecular consequence: missense variant.
Genome position (GRCh38, 1-based): chr3:4,684,306, A>C. VCF-style: chr3-4684306-A-C. GRCh37 (hg19) VCF-style: chr3-4725990-A-C.
Other names: c.3497A>C, p.His1166Pro (NM_001099952.4); c.3479A>C, p.His1160Pro (NM_001168272.2); c.3452A>C, p.His1151Pro (NM_002222.7); short protein forms H1151P, H1160P, H1166P, H1175P.
Identifiers: ClinVar variation 1961045 (VCV001961045.5), dbSNP rs759816053, ClinGen allele CA2231720.